The following is an entry in ClinVar:

ClinVar aggregate classification (germline): Uncertain significance (1 of 4 stars; one submission).

gnomAD v4.1: 2 of 1,610,742 alleles (0.00012%); highest among the groups gnomAD compares: Non-Finnish European, 0.00017%; no homozygotes.

Submission:

Mayo Clinic Laboratories, Mayo Clinic
Classification: Uncertain significance. Last evaluated: 2025-03-24. Review status: criteria provided, single submitter. Criteria: ACMG Guidelines, 2015. Collection method: clinical testing. Allele origin: germline. Observed: 1 variant allele.
Comment: PP3, PM2_supporting

NM_000492.4(CFTR):c.3712C>A (p.Gln1238Lys)

Genes: CFTR (CF transmembrane conductance regulator; plus strand), CFTR-AS2 (CFTR antisense RNA 2; minus strand). Cytogenetic location: 7q31.2.
Variant type: single nucleotide variant.
Coding change: c.3712C>A on transcript NM_000492.4 (MANE Select); coding-DNA position 3712, C replaced by A.
Protein change: p.Gln1238Lys; replaces glutamine 1238 with lysine.
Molecular consequence: missense variant.
Genome position (GRCh38, 1-based): chr7:117,627,765, C>A. VCF-style: chr7-117627765-C-A. GRCh37 (hg19) VCF-style: chr7-117267819-C-A.
Other names: p.Gln1238Lys; short protein forms Q1238K.
Identifiers: ClinVar variation 4541331 (VCV004541331.1).
Genomic context (GRCh38, chr7:117,627,765, plus strand): 5'-AAATACACAGAAGGTGGAAATGCCATATTAGAGAACATTTCCTTCTCAATAAGTCCTGGC[C>A]AGAGGGTGAGATTTGAACACTGCTTGCTTTGTTAGACTGTGTTCAGTAAGTGAATCCCAG-3'
Protein context (NP_000483.3, residues 1228-1248): ENISFSISPG[Gln1238Lys]RVGLLGRTGS